The following is an entry in ClinVar:

ClinVar aggregate classification (germline): Uncertain significance (1 of 4 stars; one submission).

Submission:

GeneDx
Classification: Uncertain significance. Last evaluated: 2025-07-29. Review status: criteria provided, single submitter. Criteria: GeneDx Variant Classification Process June 2021. Collection method: clinical testing. Allele origin: germline. Affected: yes.
Comment: Not observed at significant frequency in large population cohorts (gnomAD); In silico analysis suggests that this missense variant does not alter protein structure/function; Has not been previously published as pathogenic or benign to our knowledge

NM_015057.5(MYCBP2):c.10212A>C (p.Glu3404Asp)

Gene: MYCBP2 (MYC binding protein 2; minus strand). Cytogenetic location: 13q22.3.
Variant type: single nucleotide variant.
Coding change: c.10212A>C on transcript NM_015057.5 (MANE Select); coding-DNA position 10212, A replaced by C.
Protein change: p.Glu3404Asp; replaces glutamic acid 3404 with aspartic acid.
Molecular consequence: missense variant.
Genome position (GRCh38, 1-based): chr13:77,093,320, T>G on the plus strand (A>C on the coding strand, the complement: MYCBP2 is on the minus strand). VCF-style: chr13-77093320-T-G. GRCh37 (hg19) VCF-style: chr13-77667455-T-G.
Other names: short protein forms E3404D.
Identifiers: ClinVar variation 4690102 (VCV004690102.1).